The following is an entry in ClinVar:

NM_007129.5(ZIC2):c.1380GGC[2] (p.Ala469_Ala470del)

Genes: ZIC2 (Zic family zinc finger 2; plus strand), LOC110008580 (Zic family member 2 polyalanine repeat instability region; plus strand). Cytogenetic location: 13q32.3.
Variant type: Microsatellite.
Coding change: c.1380GGC[2] on transcript NM_007129.5 (MANE Select); two copies in a row of the 3-base unit GGC starting at c.1380; the reference has four copies in a row; two copies, 6 bases deleted.
Protein change: p.Ala469_Ala470del.
Genome position (GRCh38, 1-based): chr13:99,985,469-99,985,474, GGCGGC deleted; deleting any 6 consecutive bases within chr13:99,985,461-99,985,474 gives the same sequence; the position shown is the placement nearest the transcript's 3' end. VCF-style (leftmost placement, unchanged base first): chr13-99985460-AGCGGCG-A. GRCh37 (hg19) VCF-style: chr13-100637714-AGCGGCG-A.
Identifiers: ClinVar variation 3670682 (VCV003670682.2).

ClinVar aggregate classification (germline): Uncertain significance (1 of 4 stars; one submission).

Conditions:
Holoprosencephaly 5 (HPE5). Identifiers: Orphanet 2162, MedGen C1864827, MONDO:0012322, OMIM 609637.

Submission:

Labcorp Genetics (formerly Invitae), Labcorp
Classification: Uncertain significance for Holoprosencephaly 5. Last evaluated: 2024-12-30. Review status: criteria provided, single submitter. Criteria: Invitae Variant Classification Sherloc (09022015). Collection method: clinical testing. Allele origin: germline.
Comment: This variant, c.1386_1391del, results in the deletion of 2 amino acid(s) of the ZIC2 protein (p.Ala469_Ala470del), but otherwise preserves the integrity of the reading frame. This variant is not present in population databases (gnomAD no frequency). This variant has not been reported in the literature in individuals affected with ZIC2-related conditions. Experimental studies and prediction algorithms are not available or were not evaluated, and the functional significance of this variant is currently unknown. In summary, the available evidence is currently insufficient to determine the role of this variant in disease. Therefore, it has been classified as a Variant of Uncertain Significance.